The following is an entry in ClinVar:

ClinVar aggregate classification (germline): Uncertain significance (1 of 4 stars; one submission).

Conditions:
MHC class II deficiency. Also called: Bare lymphocyte syndrome 2; BLS, TYPE II. Identifiers: Orphanet 572, MedGen C5447452, MONDO:0008855.

Submission:

Labcorp Genetics (formerly Invitae), Labcorp
Classification: Uncertain significance for MHC class II deficiency. Last evaluated: 2019-07-08. Review status: criteria provided, single submitter. Criteria: Invitae Variant Classification Sherloc (09022015). Collection method: clinical testing. Allele origin: germline.
Comment: This sequence change replaces arginine with serine at codon 768 of the CIITA protein (p.Arg768Ser). The arginine residue is weakly conserved and there is a moderate physicochemical difference between arginine and serine. This variant is not present in population databases (ExAC no frequency). This variant has not been reported in the literature in individuals with CIITA-related conditions. Algorithms developed to predict the effect of missense changes on protein structure and function output the following: SIFT: "Tolerated"; PolyPhen-2: "Benign"; Align-GVGD: "Class C0". The serine amino acid residue is found in multiple mammalian species, suggesting that this missense change does not adversely affect protein function. These predictions have not been confirmed by published functional studies and their clinical significance is uncertain. Algorithms developed to predict the effect of sequence changes on RNA splicing suggest that this variant may create or strengthen a splice site, but this prediction has not been confirmed by published transcriptional studies. In summary, the available evidence is currently insufficient to determine the role of this variant in disease. Therefore, it has been classified as a Variant of Uncertain Significance.

NM_000246.4(CIITA):c.2302C>A (p.Arg768Ser)

Gene: CIITA (class II major histocompatibility complex transactivator; plus strand). Cytogenetic location: 16p13.13.
Variant type: single nucleotide variant.
Coding change: c.2302C>A on transcript NM_000246.4 (MANE Select); coding-DNA position 2302, C replaced by A.
Protein change: p.Arg768Ser; replaces arginine 768 with serine.
Molecular consequence: missense variant. On other transcripts: intron variant (1).
Genome position (GRCh38, 1-based): chr16:10,907,794, C>A. VCF-style: chr16-10907794-C-A. GRCh37 (hg19) VCF-style: chr16-11001651-C-A.
Other names: c.2305C>A, p.Arg769Ser (NM_001286402.1, NM_001379332.1); c.2158C>A, p.Arg720Ser (NM_001379330.1); c.2155C>A, p.Arg719Ser (NM_001379331.1); c.2302C>A, p.Arg768Ser (NM_001379333.1); c.2233C>A, p.Arg745Ser (NM_001379334.1); c.860-1189C>A (NM_001286403.2); short protein forms R720S, R768S, R769S, R719S, R745S.
Identifiers: ClinVar variation 938006 (VCV000938006.9), dbSNP rs200144896, ClinGen allele CA394732939.
Genomic context (GRCh38, chr16:10,907,794, plus strand): 5'-GACAACTGGCTGGAGGGCGTGCCACGCTTTCTGGCTGGGCTGATCTTCCAGCCTCCCGCC[C>A]GCTGCCTGGGAGCCCTACTCGGGCCATCGGCGGCTGCCTCGGTGGACAGGAAGCAGAAGG-3'
Protein context (NP_000237.2, residues 758-778): LAGLIFQPPA[Arg768Ser]CLGALLGPSA